The following is an entry in ClinVar:

ClinVar aggregate classification (germline): Uncertain significance (1 of 4 stars; one submission).

Conditions:
Lymphoproliferative syndrome 2 (LPFS2). Also called: CD27 DEFICIENCY; Combined immunodeficiency due to CD27 deficiency. Identifiers: Orphanet 238505, MedGen C3554540, MONDO:0014054, OMIM 615122.

Submission:

Labcorp Genetics (formerly Invitae), Labcorp
Classification: Uncertain significance for Lymphoproliferative syndrome 2. Last evaluated: 2021-12-29. Review status: criteria provided, single submitter. Criteria: Invitae Variant Classification Sherloc (09022015). Collection method: clinical testing. Allele origin: germline.
Comment: In summary, the available evidence is currently insufficient to determine the role of this variant in disease. Therefore, it has been classified as a Variant of Uncertain Significance. Algorithms developed to predict the effect of missense changes on protein structure and function (SIFT, PolyPhen-2, Align-GVGD) all suggest that this variant is likely to be disruptive. This sequence change replaces tryptophan, which is neutral and slightly polar, with glycine, which is neutral and non-polar, at codon 8 of the CD27 protein (p.Trp8Gly). This variant is not present in population databases (gnomAD no frequency). This variant has not been reported in the literature in individuals affected with CD27-related conditions.

NM_001242.5(CD27):c.22T>G (p.Trp8Gly)

Genes: CD27 (CD27 molecule; plus strand), CD27-AS1 (CD27 antisense RNA 1; minus strand). Cytogenetic location: 12p13.31.
Variant type: single nucleotide variant.
Coding change: c.22T>G on transcript NM_001242.5 (MANE Select); coding-DNA position 22, T replaced by G.
Protein change: p.Trp8Gly; replaces tryptophan 8 with glycine.
Molecular consequence: missense variant.
Genome position (GRCh38, 1-based): chr12:6,445,117, T>G. VCF-style: chr12-6445117-T-G. GRCh37 (hg19) VCF-style: chr12-6554283-T-G.
Other names: c.22T>G, p.Trp8Gly (NM_001413263.1, NM_001413264.1, NM_001413265.1); short protein forms W8G.
Identifiers: ClinVar variation 2065169 (VCV002065169.4), dbSNP rs1949394416, ClinGen allele CA383544690.